The following is an entry in ClinVar:

ClinVar aggregate classification (germline): Uncertain significance (1 of 4 stars; one submission).

Conditions:
Amyotrophic lateral sclerosis type 1 (ALS1). Also called: AMYOTROPHIC LATERAL SCLEROSIS 1, FAMILIAL. Identifiers: Orphanet 803, MedGen C1862939, MONDO:0007103, OMIM 105400.
Neuronopathy, distal hereditary motor, type 7B. Also called: NEURONOPATHY, DISTAL HEREDITARY MOTOR, AUTOSOMAL DOMINANT 14; NEURONOPATHY, DISTAL HEREDITARY MOTOR, HARDING TYPE VIIB; NEUROPATHY, DISTAL HEREDITARY MOTOR, HARDING TYPE VIIB; NEUROPATHY, DISTAL HEREDITARY MOTOR, WITH VOCAL CORD PARALYSIS, HARDING TYPE VIIB; Distal Hereditary Motor Neuronopathy Type 7B (dHMN7B); HMN VIIB. Identifiers: Orphanet 139589, MedGen C1843315, MONDO:0011879, OMIM 607641.
Perry syndrome. Also called: PARKINSONISM WITH ALVEOLAR HYPOVENTILATION AND MENTAL DEPRESSION. Identifiers: Orphanet 178509, MedGen C1868594, MONDO:0008201, OMIM 168605.

Submission:

Labcorp Genetics (formerly Invitae), Labcorp
Classification: Uncertain significance for Amyotrophic lateral sclerosis type 1; Neuronopathy, distal hereditary motor, type 7B; Perry syndrome. Last evaluated: 2025-03-09. Review status: criteria provided, single submitter. Criteria: Invitae Variant Classification Sherloc (09022015). Collection method: clinical testing. Allele origin: germline.
Comment: This sequence change replaces valine, which is neutral and non-polar, with glutamic acid, which is acidic and polar, at codon 332 of the DCTN1 protein (p.Val332Glu). This variant is not present in population databases (gnomAD no frequency). This variant has not been reported in the literature in individuals affected with DCTN1-related conditions. Invitae Evidence Modeling of protein sequence and biophysical properties (such as structural, functional, and spatial information, amino acid conservation, physicochemical variation, residue mobility, and thermodynamic stability) indicates that this missense variant is not expected to disrupt DCTN1 protein function with a negative predictive value of 95%. In summary, the available evidence is currently insufficient to determine the role of this variant in disease. Therefore, it has been classified as a Variant of Uncertain Significance.

NM_004082.5(DCTN1):c.995T>A (p.Val332Glu)

Gene: DCTN1 (dynactin subunit 1; minus strand). Cytogenetic location: 2p13.1.
Variant type: single nucleotide variant.
Coding change: c.995T>A on transcript NM_004082.5 (MANE Select); coding-DNA position 995, T replaced by A.
Protein change: p.Val332Glu; replaces valine 332 with glutamic acid.
Molecular consequence: missense variant. On other transcripts: non-coding transcript variant (1).
Genome position (GRCh38, 1-based): chr2:74,370,674, A>T on the plus strand (T>A on the coding strand, the complement: DCTN1 is on the minus strand). VCF-style: chr2-74370674-A-T. GRCh37 (hg19) VCF-style: chr2-74597801-A-T.
Other names: c.935T>A, p.Val312Glu (NM_001135040.3); c.593T>A, p.Val198Glu (NM_001135041.3, NM_023019.4); c.884T>A, p.Val295Glu (NM_001190836.2); c.974T>A, p.Val325Glu (NM_001190837.2); c.944T>A, p.Val315Glu (NM_001378991.1); c.926T>A, p.Val309Glu (NM_001378992.1); short protein forms V198E, V312E, V315E, V332E, V309E, V295E, V325E.
Identifiers: ClinVar variation 4783540 (VCV004783540.1).